The following is an entry in ClinVar:

ClinVar aggregate classification (germline): Benign (1 of 4 stars; one submission).

Conditions:
Multiple congenital exostosis (EXT). Also called: Hereditary multiple exostoses; Hereditary multiple exostosis; Multiple osteochondromas; Multiple exostoses; MULTIPLE CARTILAGINOUS EXOSTOSES; Hereditary multiple osteochondromas. Identifiers: Orphanet 321, MedGen C0015306, MONDO:0005508, HP:0002762.

Allele frequency attached by ClinVar (database versions not stated): gnomAD exomes 0.00185; gnomAD 0.01391 and 0.01491; TOPMed 0.01627; 1000 Genomes Project 30x 0.01749; 1000 Genomes Project 0.01857.
gnomAD v4.1: 2,646 of 437,474 alleles (0.6%); highest among the groups gnomAD compares: African/African-American, 4.8%; 44 homozygotes.

Submission:

Illumina Laboratory Services, Illumina
Classification: Benign for Exostoses, multiple, type 1. Last evaluated: 2018-01-12. Review status: criteria provided, single submitter. Criteria: ICSL Variant Classification Criteria 13 December 2019. Collection method: clinical testing. Allele origin: germline.
Comment: This variant was observed in the ICSL laboratory as part of a predisposition screen in an ostensibly healthy population. It had not been previously curated by ICSL or reported in the Human Gene Mutation Database (HGMD: prior to June 1st, 2018), and was therefore a candidate for classification through an automated scoring system. Utilizing variant allele frequency, disease prevalence and penetrance estimates, and inheritance mode, an automated score was calculated to assess if this variant is too frequent to cause the disease. Based on the score and internal cut-off values, a variant classified as benign is not then subjected to further curation. The score for this variant resulted in a classification of benign for this disease.

NM_000127.3(EXT1):c.-509C>G

Gene: EXT1 (exostosin glycosyltransferase 1; minus strand). Cytogenetic location: 8q24.11.
Variant type: single nucleotide variant.
Coding change: c.-509C>G on transcript NM_000127.3 (MANE Select); 509 bases upstream of the start codon, C replaced by G.
Molecular consequence: 5 prime UTR variant.
Genome position (GRCh38, 1-based): chr8:118,111,555, G>C on the plus strand (C>G on the coding strand, the complement: EXT1 is on the minus strand). VCF-style: chr8-118111555-G-C. GRCh37 (hg19) VCF-style: chr8-119123794-G-C.
Identifiers: ClinVar variation 361671 (VCV000361671.5), dbSNP rs78824154, ClinGen allele CA10626907.
Genomic context (GRCh38, chr8:118,111,555, plus strand): 5'-ACTCTCCGTGCAGAGCACTCCGGTTCCAACAAGTCAGCCGATCCCGGGTTCAGCCGGCTA[G>C]TGCATCTTGCAGCTGGGGCGCCGTAACCTCACAAATCCCTGCATCTCTCTTTATTCCCTT-3'